The following is an entry in ClinVar:

ClinVar aggregate classification (germline): Uncertain significance. Review status: criteria provided, multiple submitters, no conflicts (2 of 4 stars). 2 submissions from 2 submitters: Uncertain significance (2). Last evaluated 2024-09-18.

Conditions:
Arterial tortuosity syndrome (ATORS). Identifiers: Orphanet 3342, MedGen C1859726, MONDO:0008818, OMIM 208050.

Submissions (2):

GeneDx
Classification: Uncertain significance. Last evaluated: 2024-09-18. Review status: criteria provided, single submitter. Criteria: GeneDx Variant Classification Process June 2021. Collection method: clinical testing. Allele origin: germline. Affected: yes.
Comment: In silico analysis indicates that this missense variant does not alter protein structure/function; Has not been previously published as pathogenic or benign to our knowledge

Labcorp Genetics (formerly Invitae), Labcorp
Classification: Uncertain significance for Arterial tortuosity syndrome. Last evaluated: 2022-07-27. Review status: criteria provided, single submitter. Criteria: Invitae Variant Classification Sherloc (09022015). Collection method: clinical testing. Allele origin: germline.
Comment: This sequence change replaces proline, which is neutral and non-polar, with arginine, which is basic and polar, at codon 211 of the SLC2A10 protein (p.Pro211Arg). The frequency data for this variant in the population databases is considered unreliable, as metrics indicate poor data quality at this position in the gnomAD database. This variant has not been reported in the literature in individuals affected with SLC2A10-related conditions. Advanced modeling of protein sequence and biophysical properties (such as structural, functional, and spatial information, amino acid conservation, physicochemical variation, residue mobility, and thermodynamic stability) performed at Invitae indicates that this missense variant is not expected to disrupt SLC2A10 protein function. In summary, the available evidence is currently insufficient to determine the role of this variant in disease. Therefore, it has been classified as a Variant of Uncertain Significance.

NM_030777.4(SLC2A10):c.632C>G (p.Pro211Arg)

Gene: SLC2A10 (solute carrier family 2 member 10; plus strand). Cytogenetic location: 20q13.12.
Variant type: single nucleotide variant.
Coding change: c.632C>G on transcript NM_030777.4 (MANE Select); coding-DNA position 632, C replaced by G.
Protein change: p.Pro211Arg; replaces proline 211 with arginine.
Molecular consequence: missense variant.
Genome position (GRCh38, 1-based): chr20:46,725,668, C>G. VCF-style: chr20-46725668-C-G. GRCh37 (hg19) VCF-style: chr20-45354307-C-G.
Other names: c.632C>G (NM_030777.3); short protein forms P211R.
Identifiers: ClinVar variation 2191224 (VCV002191224.2), dbSNP rs151324893, ClinGen allele CA9892012.